The following is an entry in ClinVar:

NM_014915.3(ANKRD26):c.941G>A (p.Ser314Asn)

Gene: ANKRD26 (ankyrin repeat domain containing 26; minus strand). Cytogenetic location: 10p12.1.
Variant type: single nucleotide variant.
Coding change: c.941G>A on transcript NM_014915.3 (MANE Select); coding-DNA position 941, G replaced by A.
Protein change: p.Ser314Asn; replaces serine 314 with asparagine.
Molecular consequence: missense variant.
Genome position (GRCh38, 1-based): chr10:27,077,474, C>T on the plus strand (G>A on the coding strand, the complement: ANKRD26 is on the minus strand). VCF-style: chr10-27077474-C-T. GRCh37 (hg19) VCF-style: chr10-27366403-C-T.
Other names: c.941G>A, p.Ser314Asn (NM_001256053.2); short protein forms S314N.
Identifiers: ClinVar variation 3915284 (VCV003915284.1).

ClinVar aggregate classification (germline): Uncertain significance (1 of 4 stars; one submission).

Conditions:
Inborn genetic diseases. Identifiers: MedGen C0950123, MeSH D030342.

Submission:

Ambry Genetics
Classification: Uncertain significance for Inborn genetic diseases. Last evaluated: 2025-06-12. Review status: criteria provided, single submitter. Criteria: Ambry Variant Classification Scheme 2023. Collection method: clinical testing. Allele origin: germline.
Comment: The p.S314N variant (also known as c.941G>A), located in coding exon 9 of the ANKRD26 gene, results from a G to A substitution at nucleotide position 941. The serine at codon 314 is replaced by asparagine, an amino acid with highly similar properties. This amino acid position is conserved. In addition, this alteration is predicted to be tolerated by in silico analysis. Based on the available evidence, the clinical significance of this variant remains unclear.